The following is an entry in ClinVar:

NM_000454.5(SOD1):c.376G>T (p.Asp126Tyr)

Gene: SOD1 (superoxide dismutase 1; plus strand). Cytogenetic location: 21q22.11.
Variant type: single nucleotide variant.
Coding change: c.376G>T on transcript NM_000454.5 (MANE Select); coding-DNA position 376, G replaced by T.
Protein change: p.Asp126Tyr; replaces aspartic acid 126 with tyrosine.
Molecular consequence: missense variant.
Genome position (GRCh38, 1-based): chr21:31,668,489, G>T. VCF-style: chr21-31668489-G-T. GRCh37 (hg19) VCF-style: chr21-33040802-G-T.
Other names: short protein forms D126Y.
Identifiers: ClinVar variation 1708986 (VCV001708986.2), dbSNP rs1568811372, ClinGen allele CA410037666.

ClinVar aggregate classification (germline): Uncertain significance (1 of 4 stars; one submission).

Conditions:
Amyotrophic lateral sclerosis type 1 (ALS1). Also called: AMYOTROPHIC LATERAL SCLEROSIS 1, FAMILIAL. Identifiers: Orphanet 803, MedGen C1862939, MONDO:0007103, OMIM 105400.

Submission:

MGZ Medical Genetics Center
Classification: Uncertain significance for Amyotrophic lateral sclerosis type 1. Last evaluated: 2021-11-12. Review status: criteria provided, single submitter. Criteria: ACMG Guidelines, 2015. Collection method: clinical testing. Allele origin: germline. Affected: yes. Observed: 1 variant allele.
Comment: ACMG criteria applied: PM2_SUP, PP3